The following is an entry in ClinVar:

NM_001371727.1(GABRB2):c.1077+304C>A

Gene: GABRB2 (gamma-aminobutyric acid type A receptor subunit beta2; minus strand). Cytogenetic location: 5q34.
Variant type: single nucleotide variant.
Coding change: c.1077+304C>A on transcript NM_001371727.1 (MANE Select); 304 bases into the intron after coding-DNA position 1077, C replaced by A.
Molecular consequence: intron variant.
Genome position (GRCh38, 1-based): chr5:161,330,579, G>T on the plus strand (C>A on the coding strand, the complement: GABRB2 is on the minus strand). VCF-style: chr5-161330579-G-T. GRCh37 (hg19) VCF-style: chr5-160757586-G-T.
Other names: c.1077+304C>A (NM_000813.3, NM_021911.3).
Identifiers: ClinVar variation 682649 (VCV000682649.1), dbSNP rs252943, ClinGen allele CA131019972.

ClinVar aggregate classification (germline): Benign (1 of 4 stars; one submission).

Allele frequency attached by ClinVar (database versions not stated): gnomAD exomes 0.30918; 1000 Genomes Project 0.31070; 1000 Genomes Project 30x 0.31184; TOPMed 0.33518; gnomAD 0.33865 and 0.34330.
gnomAD v4.1: 73,398 of 222,728 alleles (33%); highest among the groups gnomAD compares: African/African-American, 38%; 12,526 homozygotes.

Submission:

GeneDx
Classification: Benign. Last evaluated: 2018-06-19. Review status: criteria provided, single submitter. Criteria: GeneDx Variant Classification (06012015). Collection method: clinical testing. Allele origin: germline. Affected: yes.
Comment: This variant is considered likely benign or benign based on one or more of the following criteria: it is a conservative change, it occurs at a poorly conserved position in the protein, it is predicted to be benign by multiple in silico algorithms, and/or has population frequency not consistent with disease.